The following is an entry in ClinVar:

NM_000222.3(KIT):c.916G>A (p.Glu306Lys)

Gene: KIT (KIT proto-oncogene, receptor tyrosine kinase; plus strand). Cytogenetic location: 4q12.
Variant type: single nucleotide variant.
Coding change: c.916G>A on transcript NM_000222.3 (MANE Select); coding-DNA position 916, G replaced by A.
Protein change: p.Glu306Lys; replaces glutamic acid 306 with lysine.
Molecular consequence: missense variant.
Genome position (GRCh38, 1-based): chr4:54,703,883, G>A. VCF-style: chr4-54703883-G-A. GRCh37 (hg19) VCF-style: chr4-55570049-G-A.
Other names: c.916G>A, p.Glu306Lys (NM_001093772.2, NM_001385285.1, NM_001385286.1); c.919G>A, p.Glu307Lys (NM_001385284.1, NM_001385288.1, NM_001385290.1 and 1 more transcripts); short protein forms E306K, E307K.
Identifiers: ClinVar variation 458976 (VCV000458976.12), dbSNP rs753258292, ClinGen allele CA2923336.

ClinVar aggregate classification (germline): Conflicting classifications of pathogenicity. Review status: criteria provided, conflicting classifications (1 of 4 stars). 4 submissions from 4 submitters: Uncertain significance (3); Likely benign (1). Last evaluated 2025-11-09.

Conditions:
Hereditary cancer-predisposing syndrome. Also called: Tumor predisposition; Hereditary neoplastic syndrome; Neoplastic Syndromes, Hereditary; Hereditary Cancer Syndrome. Identifiers: Orphanet 140162, MedGen C0027672, MeSH D009386, MONDO:0015356.
Gastrointestinal stromal tumor. Also called: Gastrointestinal stroma tumor; Gastrointestinal stromal tumor, somatic. Identifiers: Orphanet 44890, MedGen C0238198, MeSH D046152, MONDO:0011719, OMIM 606764, HP:0100723.

Allele frequency attached by ClinVar (database versions not stated): gnomAD exomes below 0.00001 and 0.00001; ExAC 0.00001.
gnomAD v4.1: 3 of 1,612,706 alleles (0.00019%); highest among the groups gnomAD compares: Admixed American, 0.0033%; no homozygotes.

Submissions (4):

Labcorp Genetics (formerly Invitae), Labcorp
Classification: Uncertain significance for Gastrointestinal stromal tumor. Last evaluated: 2025-11-09. Review status: criteria provided, single submitter. Criteria: Invitae Variant Classification Sherloc (09022015). Collection method: clinical testing. Allele origin: germline.
Comment: This sequence change replaces glutamic acid, which is acidic and polar, with lysine, which is basic and polar, at codon 306 of the KIT protein (p.Glu306Lys). This variant is present in population databases (rs753258292, gnomAD 0.006%). This variant has not been reported in the literature in individuals affected with KIT-related conditions. ClinVar contains an entry for this variant (Variation ID: 458976). An algorithm developed to predict the effect of missense changes on protein structure and function outputs the following: PolyPhen-2: "Benign". The lysine amino acid residue is found in multiple mammalian species, which suggests that this missense change does not adversely affect protein function. In summary, the available evidence is currently insufficient to determine the role of this variant in disease. Therefore, it has been classified as a Variant of Uncertain Significance.

Ambry Genetics
Classification: Likely benign for Hereditary cancer-predisposing syndrome. Last evaluated: 2025-08-18. Review status: criteria provided, single submitter. Criteria: Ambry Variant Classification Scheme 2023. Collection method: clinical testing. Allele origin: germline.

Dasa
Classification: Uncertain significance. Last evaluated: 2024-12-20. Review status: criteria provided, single submitter. Criteria: DASA Assertion Criteria. Collection method: clinical testing. Allele origin: germline.
Comment: NM_000222.3(KIT):c.916G>A (p.Glu306Lys) is a missense variant that results in the substitution of glutamic acid with lysine. This variant is rare in population databases. Computational prediction algorithms are consistent with a benign effect. The currently available literature and clinical evidence are not sufficient to establish a definitive association between this variant and the reported condition. Therefore, this variant is classified as a variant of uncertain significance.

Baylor Genetics
Classification: Uncertain significance for Gastrointestinal stromal tumor. Last evaluated: 2023-09-21. Review status: criteria provided, single submitter. Criteria: ACMG Guidelines, 2015. Collection method: clinical testing. Allele origin: unknown.